The following is an entry in ClinVar:

NM_031443.4(CCM2):c.472+1G>C

Gene: CCM2 (CCM2 scaffold protein; plus strand). Cytogenetic location: 7p13.
Variant type: single nucleotide variant.
Coding change: c.472+1G>C on transcript NM_031443.4 (MANE Select); the canonical splice donor site of the intron after coding-DNA position 472, G replaced by C.
Molecular consequence: splice donor variant.
Genome position (GRCh38, 1-based): chr7:45,064,647, G>C. VCF-style: chr7-45064647-G-C. GRCh37 (hg19) VCF-style: chr7-45104246-G-C.
Other names: c.472+1G>C (NM_001363458.2, NM_001167935.2); c.298+1G>C (NM_001363459.2, NM_001167934.2); c.535+1G>C (NM_001029835.2).
Identifiers: ClinVar variation 974868 (VCV000974868.2), dbSNP rs745710633, ClinGen allele CA4246987.

ClinVar aggregate classification (germline): Pathogenic/Likely pathogenic. Review status: criteria provided, multiple submitters, no conflicts (2 of 4 stars). 2 submissions from 2 submitters: Pathogenic (1); Likely pathogenic (1). Last evaluated 2022-01-03.

Conditions:
Cerebral cavernous malformation 2. Also called: Familial Cerebral Cavernous Malformation 2. Identifiers: Orphanet 221061, MedGen C1864041, MONDO:0011304, OMIM 603284.

Allele frequency attached by ClinVar (database versions not stated): TOPMed below 0.00001.
gnomAD v4.1: 9 of 1,613,810 alleles (0.00056%); highest among the groups gnomAD compares: Middle Eastern, 0.052%; no homozygotes.

Submissions (2):

3billion
Classification: Pathogenic for Cerebral cavernous malformation 2. Last evaluated: 2022-01-03. Review status: criteria provided, single submitter. Criteria: ACMG Guidelines, 2015. Collection method: clinical testing. Allele origin: germline. Affected: yes. Observed: 1 heterozygote.
Comment: The variant has been reported to be associated with CCM2 related disorder (ClinVar ID: VCV000974868, 3billion dataset). It is observed at an extremely low frequency in the gnomAD v2.1.1 dataset (total allele frequency: 0.000012, PM2_M). Canonical splice site: predicted to alter splicing and result in a loss or disruption of normal protein function through protein truncation. Multiple pathogenic variants are reported in the predicted truncated region (PVS1_VS).Therefore, this variant is classified as pathogenic according to the recommendation of ACMG/AMP guideline.

CENTOGENE GmbH and LLC - Guiding Precision Medicine
Classification: Likely pathogenic for Cerebral cavernous malformation 2. Review status: criteria provided, single submitter. Criteria: ACMG Guidelines, 2015. Collection method: clinical testing. Allele origin: germline. Affected: yes.

Literature cited by the submitters: PubMed 32860008 (cited by CENTOGENE GmbH and LLC - Guiding Precision Medicine).